The following is an entry in ClinVar:

NM_001267550.2(TTN):c.7645A>C (p.Asn2549His)

Gene: TTN (titin; minus strand). Cytogenetic location: 2q31.2.
Variant type: single nucleotide variant.
Coding change: c.7645A>C on transcript NM_001267550.2 (MANE Select); coding-DNA position 7645, A replaced by C.
Protein change: p.Asn2549His; replaces asparagine 2549 with histidine.
Molecular consequence: missense variant.
Genome position (GRCh38, 1-based): chr2:178,773,319, T>G on the plus strand (A>C on the coding strand, the complement: TTN is on the minus strand). VCF-style: chr2-178773319-T-G. GRCh37 (hg19) VCF-style: chr2-179638046-T-G.
Other names: c.7507A>C, p.Asn2503His (NM_003319.4, NM_133432.3, NM_133437.4); c.7645A>C, p.Asn2549His (NM_001256850.1, NM_133378.4, NM_133379.5); short protein forms N2503H, N2549H.
Identifiers: ClinVar variation 519113 (VCV000519113.5), dbSNP rs1277824720, ClinGen allele CA349679299.
Genomic context (GRCh38, chr2:178,773,319, plus strand): 5'-CCTTAAAATTCCACAGGACATCAATTCCAGAGTGGGACAGCTCAACCTCAAACACCACAT[T>G]TTGAGTTTCTGTACAGGTAAGGTCACGAAGACCTCTGATAATTTTAATTTCTGGGGAAAA-3'
Protein context (NP_001254479.2, residues 2539-2559): LRDLTCTETQ[Asn2549His]VVFEVELSHS

ClinVar aggregate classification (germline): Uncertain significance (1 of 4 stars; one submission).

Conditions:
Cardiovascular phenotype. Identifiers: MedGen CN230736.

Allele frequency attached by ClinVar (database versions not stated): gnomAD 0.00001; TOPMed 0.00001.

Submission:

Ambry Genetics
Classification: Uncertain significance for Cardiovascular phenotype. Last evaluated: 2016-07-28. Review status: criteria provided, single submitter. Criteria: Ambry Variant Classification Scheme 2023. Collection method: clinical testing. Allele origin: germline.
Comment: The p.N2503H variant (also known as c.7507A>C), located in coding exon 31 of the TTN gene, results from an A to C substitution at nucleotide position 7507. The asparagine at codon 2503 is replaced by histidine, an amino acid with similar properties, and is located in the I-band region of the N2-B isoform of the titin protein. This variant was not reported in population-based cohorts in the following databases: Database of Single Nucleotide Polymorphisms (dbSNP), Exome Aggregation Consortium (ExAC), NHLBI Exome Sequencing Project (ESP), and 1000 Genomes Project. In the ESP, this variant was not observed in 6500 samples (13000 alleles) with coverage at this position. This amino acid position is well conserved in available vertebrate species. In addition, this alteration is predicted to be tolerated by in silico analysis. Since supporting evidence is limited at this time, the clinical significance of this alteration remains unclear.